The following is an entry in ClinVar:

ClinVar aggregate classification (germline): Likely pathogenic (1 of 4 stars; one submission).

Conditions:
Multiple congenital anomalies-hypotonia-seizures syndrome 2 (MCAHS2). Also called: EPILEPTIC ENCEPHALOPATHY, EARLY INFANTILE, 20; GLYCOSYLPHOSPHATIDYLINOSITOL BIOSYNTHESIS DEFECT 4. Identifiers: Orphanet 300496, MedGen C3275508, MONDO:0010466, OMIM 300868.

Submission:

Baylor Genetics
Classification: Likely pathogenic for Multiple congenital anomalies-hypotonia-seizures syndrome 2. Last evaluated: 2020-02-05. Review status: criteria provided, single submitter. Criteria: ACMG Guidelines, 2015. Collection method: clinical testing. Allele origin: unknown. Affected: yes.
Comment: This variant was determined to be likely pathogenic according to ACMG Guidelines, 2015 [PMID:25741868].

NM_002641.4(PIGA):c.1A>G (p.Met1Val)

Gene: PIGA (phosphatidylinositol glycan anchor biosynthesis class A; minus strand). Cytogenetic location: Xp22.2.
Variant type: single nucleotide variant.
Coding change: c.1A>G on transcript NM_002641.4 (MANE Select); coding-DNA position 1, A replaced by G.
Protein change: p.Met1Val; changes the start codon (methionine 1).
Molecular consequence: missense variant, initiator codon variant. On other transcripts: non-coding transcript variant (2), intron variant (1).
Genome position (GRCh38, 1-based): chrX:15,331,930, T>C on the plus strand (A>G on the coding strand, the complement: PIGA is on the minus strand). VCF-style: chrX-15331930-T-C. GRCh37 (hg19) VCF-style: chrX-15350052-T-C.
Other names: c.13+3571A>G (NM_020473.3); short protein forms M1V.
Identifiers: ClinVar variation 1029466 (VCV001029466.2), dbSNP rs1922179572, ClinGen allele CA412341740.